The following is an entry in ClinVar:

ClinVar aggregate classification (germline): Uncertain significance (1 of 4 stars; one submission).

Conditions:
Cardiovascular phenotype. Identifiers: MedGen CN230736.

Allele frequency attached by ClinVar (database versions not stated): gnomAD exomes below 0.00001.
gnomAD v4.1: 2 of 1,612,270 alleles (0.00012%); highest among the groups gnomAD compares: African/African-American, 0.0027%; no homozygotes.

Submission:

Ambry Genetics
Classification: Uncertain significance for Cardiovascular phenotype. Last evaluated: 2021-03-30. Review status: criteria provided, single submitter. Criteria: Ambry Variant Classification Scheme 2023. Collection method: clinical testing. Allele origin: germline.
Comment: The p.D3086H variant (also known as c.9256G>C), located in coding exon 38 of the AKAP9 gene, results from a G to C substitution at nucleotide position 9256. The aspartic acid at codon 3086 is replaced by histidine, an amino acid with similar properties. This amino acid position is highly conserved in available vertebrate species. In addition, the in silico prediction for this alteration is inconclusive. Since supporting evidence is limited at this time, the clinical significance of this alteration remains unclear.

NM_005751.5(AKAP9):c.9256G>C (p.Asp3086His)

Gene: AKAP9 (A-kinase anchoring protein 9; plus strand). Cytogenetic location: 7q21.2.
Variant type: single nucleotide variant.
Coding change: c.9256G>C on transcript NM_005751.5 (MANE Select); coding-DNA position 9256, G replaced by C.
Protein change: p.Asp3086His; replaces aspartic acid 3086 with histidine.
Molecular consequence: missense variant.
Genome position (GRCh38, 1-based): chr7:92,089,427, G>C. VCF-style: chr7-92089427-G-C. GRCh37 (hg19) VCF-style: chr7-91718741-G-C.
Other names: c.3901G>C, p.Asp1301His (NM_001379277.1); c.9232G>C, p.Asp3078His (NM_147185.3); short protein forms D3078H, D3086H, D1301H.
Identifiers: ClinVar variation 1766345 (VCV001766345.2), dbSNP rs2535277956, ClinGen allele CA368144561.